The following is an entry in ClinVar:

NM_000338.3(SLC12A1):c.1786+2del

Gene: SLC12A1 (solute carrier family 12 member 1; plus strand). Cytogenetic location: 15q21.1.
Variant type: Deletion.
Coding change: c.1786+2del on transcript NM_000338.3 (MANE Select); the canonical splice donor site of the intron after coding-DNA position 1786, one base deleted (T; older notation c.1786+2delT).
Molecular consequence: splice donor variant.
Genome position (GRCh38, 1-based): chr15:48,249,678, T deleted. VCF-style (leftmost placement, unchanged base first): chr15-48249677-GT-G. GRCh37 (hg19) VCF-style: chr15-48541874-GT-G.
Other names: c.1786+2del (NM_001384136.1, NM_001184832.2).
Identifiers: ClinVar variation 3066182 (VCV003066182.1), dbSNP rs2505094118, ClinGen allele CA2740097819.

ClinVar aggregate classification (germline): Uncertain significance (1 of 4 stars; one submission).

Conditions:
Bartter disease type 1. Also called: HYPOKALEMIC ALKALOSIS WITH HYPERCALCIURIA 1, ANTENATAL; Bartter syndrome, type 1, antenatal; Bartter Syndrome type 1; HYPERPROSTAGLANDIN E SYNDROME 1. Identifiers: Orphanet 112, Orphanet 620217, MedGen C1866495, MONDO:0100344, OMIM 601678, MONDO:0011127.

Submission:

MVZ Medizinische Genetik Mainz
Classification: Uncertain significance for Bartter disease type 1. Last evaluated: 2023-03-06. Review status: criteria provided, single submitter. Criteria: UK Practice Guidelines For Variant Classification V4 01 2020. Collection method: clinical testing. Allele origin: germline. Inheritance: Autosomal recessive inheritance. Affected: yes. Observed: 1 variant allele.
Comment: ACMG Criteria: PVS1_MOD, PM2_SUP, PM3_SUP, PP4